The following is an entry in ClinVar:

ClinVar aggregate classification (germline): Likely pathogenic (0 of 4 stars; one submission).

Conditions:
Pyruvate dehydrogenase E1-alpha deficiency (PDHAD). Also called: ATAXIA, INTERMITTENT, WITH PYRUVATE DEHYDROGENASE DEFICIENCY; ATAXIA WITH LACTIC ACIDOSIS I; ATAXIA, INTERMITTENT, WITH ABNORMAL PYRUVATE METABOLISM; Ataxia, intermittent, with pyruvate dehydrogenase, or decarboxylase, deficiency. Identifiers: Orphanet 79243, MedGen C1839413, MONDO:0010717, OMIM 312170.

Submission:

PDHA1 Study Group, University Children’s Hospital, Paracelsus Medical University
Classification: Likely pathogenic for Pyruvate dehydrogenase E1-alpha deficiency. Last evaluated: 2024-10-15. Review status: no assertion criteria provided. Collection method: research. Allele origin: germline. Affected: yes. Observed: 1 variant allele.
Comment: The NM_000284.3:c.978_1004dup (p.Ser327_Leu335dup) change is a deletion-insertion (delins) variant in PDHA1 gene. The variant has been reported in 1 published case (PMIDs: 26402642). Last literature search: July 12, 2024. This variant is absent or extremely rare in population-based cohorts in the Genome Aggregation Database (gnomAD). Individuals harboring this variant presented with clinical features compatible with PDHA1-related PDHc deficiency. In summary, this variant meets criteria to be classified as likely pathogenic (LP) for PDHA1-related PDHc deficiency based on the ACMG/AMP criteria applied: PM1, PM2, PM4, PP3 (last assessment October 15, 2024).

Literature cited by the submitters: PubMed 26402642; DOI 10.1093/brain/awaf430.

NM_000284.4(PDHA1):c.978_1004dup (p.Leu335_Lys336insSerAsnLeuAlaSerValGluGluLeu)

Gene: PDHA1 (pyruvate dehydrogenase E1 subunit alpha 1; plus strand). Cytogenetic location: Xp22.12.
Variant type: Duplication.
Coding change: c.978_1004dup on transcript NM_000284.4 (MANE Select); coding-DNA positions 978 to 1004, 27 bases duplicated (CAGCAATCTTGCCAGTGTGGAAGAACT).
Protein change: p.Leu335_Lys336insSerAsnLeuAlaSerValGluGluLeu.
Molecular consequence: inframe insertion.
Genome position (GRCh38, 1-based): chrX:19,358,994-19,359,020, CAGCAATCTTGCCAGTGTGGAAGAACT duplicated. VCF-style (leftmost placement, unchanged base first): chrX-19358993-A-ACAGCAATCTTGCCAGTGTGGAAGAACT. GRCh37 (hg19) VCF-style: chrX-19377111-A-ACAGCAATCTTGCCAGTGTGGAAGAACT.
Other names: c.1092_1118dup, p.Leu373_Lys374insSerAsnLeuAlaSerValGluGluLeu (NM_001173454.2); c.999_1025dup, p.Leu342_Lys343insSerAsnLeuAlaSerValGluGluLeu (NM_001173455.2); c.885_911dup, p.Leu304_Lys305insSerAsnLeuAlaSerValGluGluLeu (NM_001173456.2).
Identifiers: ClinVar variation 4070418 (VCV004070418.1).